The following is an entry in ClinVar:

NM_033641.4(COL4A6):c.1901A>G (p.Asp634Gly)

Gene: COL4A6 (collagen type IV alpha 6 chain; minus strand). Cytogenetic location: Xq22.3.
Variant type: single nucleotide variant.
Coding change: c.1901A>G on transcript NM_033641.4 (MANE Select); coding-DNA position 1901, A replaced by G.
Protein change: p.Asp634Gly; replaces aspartic acid 634 with glycine.
Molecular consequence: missense variant.
Genome position (GRCh38, 1-based): chrX:108,187,146, T>C on the plus strand (A>G on the coding strand, the complement: COL4A6 is on the minus strand). VCF-style: chrX-108187146-T-C. GRCh37 (hg19) VCF-style: chrX-107430376-T-C.
Other names: c.1901A>G, p.Asp634Gly (NM_001287758.2, NM_001287759.2, NM_001287760.2); c.1904A>G, p.Asp635Gly (NM_001847.4); short protein forms D634G, D635G.
Identifiers: ClinVar variation 2160987 (VCV002160987.5), dbSNP rs762403539, ClinGen allele CA10487748.

ClinVar aggregate classification (germline): Uncertain significance (1 of 4 stars; one submission).

Allele frequency attached by ClinVar (database versions not stated): gnomAD exomes 0.00001; TOPMed 0.00001; gnomAD 0.00002; ExAC 0.00004.
gnomAD v4.1: 12 of 1,191,256 alleles (0.001%); highest among the groups gnomAD compares: Admixed American, 0.022%; no homozygotes.

Submissions (2):

Labcorp Genetics (formerly Invitae), Labcorp
Classification: Uncertain significance. Last evaluated: 2025-01-18. Review status: criteria provided, single submitter. Criteria: Invitae Variant Classification Sherloc (09022015). Collection method: clinical testing. Allele origin: germline.
Comment: This sequence change replaces aspartic acid, which is acidic and polar, with glycine, which is neutral and non-polar, at codon 635 of the COL4A6 protein (p.Asp635Gly). This variant is present in population databases (rs762403539, gnomAD 0.03%). This variant has not been reported in the literature in individuals affected with COL4A6-related conditions. ClinVar contains an entry for this variant (Variation ID: 2160987). Invitae Evidence Modeling of protein sequence and biophysical properties (such as structural, functional, and spatial information, amino acid conservation, physicochemical variation, residue mobility, and thermodynamic stability) indicates that this missense variant is not expected to disrupt COL4A6 protein function with a negative predictive value of 80%. In summary, the available evidence is currently insufficient to determine the role of this variant in disease. Therefore, it has been classified as a Variant of Uncertain Significance.

Dr. Peter K. Rogan Lab, Western University
No classification provided (evidence only). Condition: Thyroid cancer, nonmedullary, 1. Review status: no classification provided. Collection method: in vitro. Allele origin: not applicable. Functional consequence: retained intron. Not counted in ClinVar's aggregate classification.